The following is an entry in ClinVar:

NM_001018115.3(FANCD2):c.3675del (p.Thr1225_Leu1226insTer)

Genes: FANCD2 (FA complementation group D2; plus strand), FANCD2OS (FANCD2 opposite strand; minus strand). Cytogenetic location: 3p25.3.
Variant type: Deletion.
Coding change: c.3675del on transcript NM_001018115.3 (MANE Select); coding-DNA position 3675, one base deleted (A; older notation c.3675delA).
Protein change: p.Thr1225_Leu1226insTer.
Molecular consequence: frameshift variant. On other transcripts: intron variant (1).
Genome position (GRCh38, 1-based): chr3:10,088,942, A deleted. VCF-style (leftmost placement, unchanged base first): chr3-10088941-CA-C. GRCh37 (hg19) VCF-style: chr3-10130625-CA-C.
Other names: c.3675del, p.Thr1225_Leu1226insTer (NM_001319984.2, NM_001374254.1, NM_033084.6); c.3564del, p.Thr1188_Leu1189insTer (NM_001374253.1); c.*44-7411del (NM_173472.2).
Identifiers: ClinVar variation 3644910 (VCV003644910.2).

ClinVar aggregate classification (germline): Pathogenic (1 of 4 stars; one submission).

Conditions:
Fanconi anemia (FA). Also called: Fanconi's anemia. Identifiers: Orphanet 84, MedGen C0015625, MeSH D005199, MONDO:0019391.

Submission:

Labcorp Genetics (formerly Invitae), Labcorp
Classification: Pathogenic for Fanconi anemia. Last evaluated: 2025-12-22. Review status: criteria provided, single submitter. Criteria: Invitae Variant Classification Sherloc (09022015). Collection method: clinical testing. Allele origin: germline.
Comment: This sequence change creates a premature translational stop signal (p.Leu1226*) in the FANCD2 gene. It is expected to result in an absent or disrupted protein product. Loss-of-function variants in FANCD2 are known to be pathogenic (PMID: 17436244). This variant is not present in population databases (gnomAD no frequency). This variant has not been reported in the literature in individuals affected with FANCD2-related conditions. ClinVar contains an entry for this variant (Variation ID: 3644910). For these reasons, this variant has been classified as Pathogenic.

Literature cited by the submitters: PubMed 17436244.